The following is an entry in ClinVar:

NM_144997.7(FLCN):c.1021C>T (p.Arg341Trp)

Gene: FLCN (folliculin; minus strand). Cytogenetic location: 17p11.2.
Variant type: single nucleotide variant.
Coding change: c.1021C>T on transcript NM_144997.7 (MANE Select); coding-DNA position 1021, C replaced by T.
Protein change: p.Arg341Trp; replaces arginine 341 with tryptophan.
Molecular consequence: missense variant.
Genome position (GRCh38, 1-based): chr17:17,219,060, G>A on the plus strand (C>T on the coding strand, the complement: FLCN is on the minus strand). VCF-style: chr17-17219060-G-A. GRCh37 (hg19) VCF-style: chr17-17122374-G-A.
Other names: c.1075C>T, p.Arg359Trp (NM_001353229.2); c.1021C>T, p.Arg341Trp (NM_001353230.2, NM_001353231.2); c.1021C>T (LRG_325t1); short protein forms R341W, R359W.
Identifiers: ClinVar variation 485594 (VCV000485594.16), dbSNP rs770396757, ClinGen allele CA8416173.

ClinVar aggregate classification (germline): Conflicting classifications of pathogenicity. Review status: criteria provided, conflicting classifications (1 of 4 stars). 5 submissions from 5 submitters: Uncertain significance (1); Likely benign (4). Last evaluated 2026-07-01.

Conditions:
Birt-Hogg-Dube syndrome 1 (BHD1). Also called: FIBROFOLLICULOMAS WITH TRICHODISCOMAS AND ACROCHORDONS. Identifiers: Orphanet 122, MedGen CN375946, MONDO:0800445, OMIM 135150.
FLCN-related disorder. Also called: FLCN-related condition.
Hereditary cancer-predisposing syndrome. Also called: Neoplastic Syndromes, Hereditary; Hereditary Cancer Syndrome; Tumor predisposition; Hereditary neoplastic syndrome. Identifiers: Orphanet 140162, MedGen C0027672, MeSH D009386, MONDO:0015356.
Birt-Hogg-Dube syndrome. Also called: Birt Hogg Dubé syndrome. Identifiers: Orphanet 122, MedGen C0346010, MONDO:0800444.

Allele frequency attached by ClinVar (database versions not stated): gnomAD 0.00002; gnomAD exomes 0.00003; TOPMed 0.00003; ExAC 0.00005.
gnomAD v4.1: 54 of 1,613,718 alleles (0.0033%); highest among the groups gnomAD compares: South Asian, 0.02%; no homozygotes.

Submissions (5):

PreventionGenetics, part of Exact Sciences
Classification: Likely benign for FLCN-related condition. Last evaluated: 2026-07-01. Review status: criteria provided, single submitter. Criteria: ACMG Guidelines, 2015. Collection method: clinical testing. Allele origin: germline.
Comment: This variant is classified as likely benign based on ACMG/AMP sequence variant interpretation guidelines (Richards et al. 2015 PMID: 25741868, with internal and published modifications).

Labcorp Genetics (formerly Invitae), Labcorp
Classification: Uncertain significance for Birt-Hogg-Dube syndrome. Last evaluated: 2025-12-15. Review status: criteria provided, single submitter. Criteria: Invitae Variant Classification Sherloc (09022015). Collection method: clinical testing. Allele origin: germline.
Comment: This sequence change replaces arginine, which is basic and polar, with tryptophan, which is neutral and slightly polar, at codon 341 of the FLCN protein (p.Arg341Trp). This variant is present in population databases (rs770396757, gnomAD 0.02%). This variant has not been reported in the literature in individuals affected with FLCN-related conditions. ClinVar contains an entry for this variant (Variation ID: 485594). Invitae Evidence Modeling of protein sequence and biophysical properties (such as structural, functional, and spatial information, amino acid conservation, physicochemical variation, residue mobility, and thermodynamic stability) indicates that this missense variant is not expected to disrupt FLCN protein function with a negative predictive value of 80%. In summary, the available evidence is currently insufficient to determine the role of this variant in disease. Therefore, it has been classified as a Variant of Uncertain Significance.

Myriad Genetics, Inc.
Classification: Likely benign for Birt-Hogg-Dube syndrome 1. Last evaluated: 2024-08-07. Review status: criteria provided, single submitter. Criteria: Myriad Autosomal Dominant, Autosomal Recessive and X-Linked Classification Criteria (2023). Collection method: clinical testing. Allele origin: unknown.
Comment: This variant is considered likely benign. This variant has been observed at a population frequency that is significantly greater than expected given the associated disease prevalence and penetrance.

Ambry Genetics
Classification: Likely benign for Hereditary cancer-predisposing syndrome. Last evaluated: 2020-07-22. Review status: criteria provided, single submitter. Criteria: Ambry Variant Classification Scheme 2023. Collection method: clinical testing. Allele origin: germline.

GeneDx
Classification: Likely benign. Last evaluated: 2018-04-25. Review status: criteria provided, single submitter. Criteria: GeneDx Variant Classification (06012015). Collection method: clinical testing. Allele origin: germline. Affected: yes.
Comment: This variant is considered likely benign or benign based on one or more of the following criteria: it is a conservative change, it occurs at a poorly conserved position in the protein, it is predicted to be benign by multiple in silico algorithms, and/or has population frequency not consistent with disease.